The following is an entry in ClinVar:

NM_001923.5(DDB1):c.1714C>T (p.Pro572Ser)

Gene: DDB1 (damage specific DNA binding protein 1; minus strand). Cytogenetic location: 11q12.2.
Variant type: single nucleotide variant.
Coding change: c.1714C>T on transcript NM_001923.5 (MANE Select); coding-DNA position 1714, C replaced by T.
Protein change: p.Pro572Ser; replaces proline 572 with serine.
Molecular consequence: missense variant.
Genome position (GRCh38, 1-based): chr11:61,314,086, G>A on the plus strand (C>T on the coding strand, the complement: DDB1 is on the minus strand). VCF-style: chr11-61314086-G-A. GRCh37 (hg19) VCF-style: chr11-61081558-G-A.
Other names: c.1714C>T (NM_001923.3); short protein forms P572S.
Identifiers: ClinVar variation 2573794 (VCV002573794.2), dbSNP rs2539670909, ClinGen allele CA380662836.

ClinVar aggregate classification (germline): Uncertain significance. Review status: criteria provided, multiple submitters, no conflicts (2 of 4 stars). 2 submissions from 2 submitters: Uncertain significance (2). Last evaluated 2025-09-22.

Submissions (2):

Ambry Genetics
Classification: Uncertain significance. Last evaluated: 2025-09-22. Review status: criteria provided, single submitter. Criteria: Ambry Variant Classification Scheme 2023. Collection method: clinical testing. Allele origin: germline.

GeneDx
Classification: Uncertain significance. Last evaluated: 2023-01-24. Review status: criteria provided, single submitter. Criteria: GeneDx Variant Classification Process June 2021. Collection method: clinical testing. Allele origin: germline. Affected: yes.
Comment: Not observed at significant frequency in large population cohorts (gnomAD); In silico analysis supports that this missense variant has a deleterious effect on protein structure/function; Has not been previously published as pathogenic or benign to our knowledge